The following is an entry in ClinVar:

NM_001042545.2(LTBP4):c.2238C>T (p.Pro746=)

Gene: LTBP4 (latent transforming growth factor beta binding protein 4; plus strand). Cytogenetic location: 19q13.2.
Variant type: single nucleotide variant.
Coding change: c.2238C>T on transcript NM_001042545.2 (MANE Select); coding-DNA position 2238, C replaced by T.
Protein change: p.Pro746=; no amino-acid change (proline 746 retained).
Molecular consequence: synonymous variant.
Genome position (GRCh38, 1-based): chr19:40,612,131, C>T. VCF-style: chr19-40612131-C-T. GRCh37 (hg19) VCF-style: chr19-41118037-C-T.
Other names: c.2439C>T, p.Pro813= (NM_001042544.1); c.2328C>T, p.Pro776= (NM_003573.2).
Identifiers: ClinVar variation 329316 (VCV000329316.13), dbSNP rs201588216, ClinGen allele CA9448594.
Genomic context (GRCh38, chr19:40,612,131, plus strand): 5'-AGATGTGGATGAGTGTGAGAACCACCTCGCATGCCCTGGGCAGGAGTGTGTGAACTCGCC[C>T]GGCTCCTTCCAGTGCAGGACCTGTCCTTCTGGCCACCACCTGCACCGTGGCAGATGCACT-3'
Protein context (NP_001036010.1, residues 736-756): ACPGQECVNS[Pro746=]GSFQCRTCPS

ClinVar aggregate classification (germline): Benign. Review status: criteria provided, multiple submitters, no conflicts (2 of 4 stars). 4 submissions from 4 submitters: Benign (4). Last evaluated 2026-02-04.

Conditions:
Cutis laxa with severe pulmonary, gastrointestinal and urinary anomalies. Also called: URBAN-RIFKIN-DAVIS SYNDROME; Cutis laxa, autosomal recessive, type IC; LTBP4-Related Cutis Laxa. Identifiers: Orphanet 221145, MedGen C2750804, MONDO:0013170, OMIM 613177. Disease mechanism: loss of function.

Allele frequency attached by ClinVar (database versions not stated): gnomAD 0.00055 and 0.00318; ESP Exome Variant Server 0.00111; TOPMed 0.00113; gnomAD exomes 0.00923; ExAC 0.01099; 1000 Genomes Project 30x 0.02108; 1000 Genomes Project 0.02256.
gnomAD v4.1: 8,069 of 1,613,270 alleles (0.5%); highest among the groups gnomAD compares: South Asian, 7%; 316 homozygotes.

Submissions (4):

Labcorp Genetics (formerly Invitae), Labcorp
Classification: Benign. Last evaluated: 2026-02-04. Review status: criteria provided, single submitter. Criteria: Invitae Variant Classification Sherloc (09022015). Collection method: clinical testing. Allele origin: germline.

Illumina Laboratory Services, Illumina
Classification: Benign for Cutis laxa with severe pulmonary, gastrointestinal and urinary anomalies. Last evaluated: 2018-01-13. Review status: criteria provided, single submitter. Criteria: ICSL Variant Classification Criteria 13 December 2019. Collection method: clinical testing. Allele origin: germline.
Comment: This variant was observed in the ICSL laboratory as part of a predisposition screen in an ostensibly healthy population. It had not been previously curated by ICSL or reported in the Human Gene Mutation Database (HGMD: prior to June 1st, 2018), and was therefore a candidate for classification through an automated scoring system. Utilizing variant allele frequency, disease prevalence and penetrance estimates, and inheritance mode, an automated score was calculated to assess if this variant is too frequent to cause the disease. Based on the score and internal cut-off values, a variant classified as benign is not then subjected to further curation. The score for this variant resulted in a classification of benign for this disease.

GeneDx
Classification: Benign. Last evaluated: 2017-01-23. Review status: criteria provided, single submitter. Criteria: GeneDx Variant Classification (06012015). Collection method: clinical testing. Allele origin: germline. Affected: yes.
Comment: This variant is considered likely benign or benign based on one or more of the following criteria: it is a conservative change, it occurs at a poorly conserved position in the protein, it is predicted to be benign by multiple in silico algorithms, and/or has population frequency not consistent with disease.

Breakthrough Genomics
Classification: Benign. Review status: criteria provided, single submitter. Criteria: ACMG Guidelines, 2015. Collection method: not provided. Allele origin: germline. Inheritance: Autosomal recessive inheritance. Affected: yes.